The following is an entry in ClinVar:

ClinVar aggregate classification (germline): Pathogenic. Review status: criteria provided, multiple submitters, no conflicts (2 of 4 stars). 2 submissions from 2 submitters: Pathogenic (2). Last evaluated 2025-06-11.

Conditions:
Hereditary hemorrhagic telangiectasia (HHT). Also called: ORW DISEASE; Osler Weber Rendu syndrome; OSLER-RENDU-WEBER DISEASE; Osler hemorrhagic telangiectasia syndrome. Identifiers: Orphanet 774, MedGen C0039445, MONDO:0019180. Disease mechanism: loss of function.
Cardiovascular phenotype. Identifiers: MedGen CN230736.

Submissions (2):

Labcorp Genetics (formerly Invitae), Labcorp
Classification: Pathogenic for Hereditary hemorrhagic telangiectasia. Last evaluated: 2025-06-11. Review status: criteria provided, single submitter. Criteria: Invitae Variant Classification Sherloc (09022015). Collection method: clinical testing. Allele origin: germline.
Comment: This sequence change creates a premature translational stop signal (p.Trp149*) in the ENG gene. It is expected to result in an absent or disrupted protein product. Loss-of-function variants in ENG are known to be pathogenic (PMID: 15879500). This variant is not present in population databases (gnomAD no frequency). This premature translational stop signal has been observed in individual(s) with hereditary hemorrhagic telangiectasia (PMID: 16752392). ClinVar contains an entry for this variant (Variation ID: 1740899). For these reasons, this variant has been classified as Pathogenic.

Ambry Genetics
Classification: Pathogenic for Cardiovascular phenotype. Last evaluated: 2019-10-02. Review status: criteria provided, single submitter. Criteria: Ambry Variant Classification Scheme 2023. Collection method: clinical testing. Allele origin: germline.
Comment: The p.W149* pathogenic mutation (also known as c.447G>A), located in coding exon 4 of the ENG gene, results from a G to A substitution at nucleotide position 447. This changes the amino acid from a tryptophan to a stop codon within coding exon 4. This mutation has been detected in two individuals with epistaxis and telangiectases (Bossler AD et al. Hum. Mutat., 2006 Jul;27:667-75; Richards-Yutz J et al. Hum. Genet., 2010 Jul;128:61-77). In addition to the clinical data presented in the literature, this alteration is expected to result in loss of function by premature protein truncation or nonsense-mediated mRNA decay. As such, this alteration is interpreted as a disease-causing mutation.

Literature cited by the submitters: PubMed 15879500 (cited by Labcorp Genetics (formerly Invitae), Labcorp); PubMed 16752392 (cited by Labcorp Genetics (formerly Invitae), Labcorp and Ambry Genetics); PubMed 20414677 (cited by Ambry Genetics).

NM_001114753.3(ENG):c.447G>A (p.Trp149Ter)

Gene: ENG (endoglin; minus strand). Cytogenetic location: 9q34.11.
Variant type: single nucleotide variant.
Coding change: c.447G>A on transcript NM_001114753.3 (MANE Select); coding-DNA position 447, G replaced by A.
Protein change: p.Trp149Ter; replaces tryptophan 149 with a stop codon.
Molecular consequence: nonsense. On other transcripts: 5 prime UTR variant (1).
Genome position (GRCh38, 1-based): chr9:127,826,586, C>T on the plus strand (G>A on the coding strand, the complement: ENG is on the minus strand). VCF-style: chr9-127826586-C-T. GRCh37 (hg19) VCF-style: chr9-130588865-C-T.
Other names: c.447G>A, p.Trp149Ter (NM_000118.4, NM_001406715.1); c.-100G>A (NM_001278138.2); short protein forms W149*.
Identifiers: ClinVar variation 1740899 (VCV001740899.3), dbSNP rs878853657, ClinGen allele CA374984253.